The following is an entry in ClinVar:

ClinVar aggregate classification (germline): Benign/Likely benign. Review status: criteria provided, multiple submitters, no conflicts (2 of 4 stars). 2 submissions from 2 submitters: Benign (1); Likely benign (1). Last evaluated 2026-05-01.

Allele frequency attached by ClinVar (database versions not stated): gnomAD exomes 0.00020; ExAC 0.00026; 1000 Genomes Project 0.00060; 1000 Genomes Project 30x 0.00062; ESP Exome Variant Server 0.00069; gnomAD 0.00077 and 0.00086; TOPMed 0.00101.
gnomAD v4.1: 222 of 1,566,214 alleles (0.014%); highest among the groups gnomAD compares: African/African-American, 0.27%; no homozygotes.

Submissions (2):

CeGaT Center for Human Genetics Tuebingen
Classification: Likely benign. Last evaluated: 2026-05-01. Review status: criteria provided, single submitter. Criteria: CeGaT Center For Human Genetics Tuebingen Variant Classification Criteria Version 2. Collection method: clinical testing. Allele origin: germline. Affected: yes. Observed: 1 variant allele.
Comment: APC2: BP4, BP7

Labcorp Genetics (formerly Invitae), Labcorp
Classification: Benign. Last evaluated: 2026-01-05. Review status: criteria provided, single submitter. Criteria: Invitae Variant Classification Sherloc (09022015). Collection method: clinical testing. Allele origin: germline.

NM_005883.3(APC2):c.2568G>A (p.Gln856=)

Gene: APC2 (APC regulator of Wnt signaling pathway 2; plus strand). Cytogenetic location: 19p13.3.
Variant type: single nucleotide variant.
Coding change: c.2568G>A on transcript NM_005883.3 (MANE Select); coding-DNA position 2568, G replaced by A.
Protein change: p.Gln856=; no amino-acid change (glutamine 856 retained).
Molecular consequence: synonymous variant.
Genome position (GRCh38, 1-based): chr19:1,465,869, G>A. VCF-style: chr19-1465869-G-A. GRCh37 (hg19) VCF-style: chr19-1465868-G-A.
Other names: c.2565G>A, p.Gln855= (NM_001351273.1).
Identifiers: ClinVar variation 764044 (VCV000764044.10), dbSNP rs143857015, ClinGen allele CA9045478.
Genomic context (GRCh38, chr19:1,465,869, plus strand): 5'-GGCAGCCGTGGCGGCCAAGGCCAAGGCCAAGCTGGCGCTTGCAGTGGCGCGCATCGACCA[G>A]CTGGTGGAGGACATCTCCGCCCTGCACACCTCGTCCGACGATAGCTTCAGCCTCAGCTCT-3'
Protein context (NP_005874.1, residues 846-866): KLALAVARID[Gln856=]LVEDISALHT